The following is an entry in ClinVar:

ClinVar aggregate classification (germline): Uncertain significance. Review status: criteria provided, multiple submitters, no conflicts (2 of 4 stars). 3 submissions from 3 submitters: Uncertain significance (3). Last evaluated 2024-12-27.

Conditions:
Basal cell carcinoma, susceptibility to, 1. Also called: BCC1. Identifiers: MedGen C2751544, MONDO:0011556, OMIM 605462.
Hereditary cancer-predisposing syndrome. Also called: Hereditary neoplastic syndrome; Neoplastic Syndromes, Hereditary; Tumor predisposition; Hereditary Cancer Syndrome. Identifiers: Orphanet 140162, MedGen C0027672, MeSH D009386, MONDO:0015356.
Gorlin syndrome. Also called: Nevoid Basal Cell Carcinoma Syndrome; Basal cell nevus syndrome. Identifiers: Orphanet 377, MedGen C0004779, MONDO:0007187.

Submissions (3):

Ambry Genetics
Classification: Uncertain significance for Hereditary cancer-predisposing syndrome. Last evaluated: 2024-12-27. Review status: criteria provided, single submitter. Criteria: Ambry Variant Classification Scheme 2023. Collection method: clinical testing. Allele origin: germline.
Comment: The p.I159V variant (also known as c.475A>G), located in coding exon 3 of the PTCH1 gene, results from an A to G substitution at nucleotide position 475. The isoleucine at codon 159 is replaced by valine, an amino acid with highly similar properties. This amino acid position is conserved. In addition, this alteration is predicted to be deleterious by in silico analysis. Based on the available evidence, the clinical significance of this variant remains unclear.

Baylor Genetics
Classification: Uncertain significance for Basal cell carcinoma, susceptibility to, 1. Last evaluated: 2023-11-30. Review status: criteria provided, single submitter. Criteria: ACMG Guidelines, 2015. Collection method: clinical testing. Allele origin: unknown.

Labcorp Genetics (formerly Invitae), Labcorp
Classification: Uncertain significance for Gorlin syndrome. Last evaluated: 2023-02-06. Review status: criteria provided, single submitter. Criteria: Invitae Variant Classification Sherloc (09022015). Collection method: clinical testing. Allele origin: germline.
Comment: In summary, the available evidence is currently insufficient to determine the role of this variant in disease. Therefore, it has been classified as a Variant of Uncertain Significance. Advanced modeling of protein sequence and biophysical properties (such as structural, functional, and spatial information, amino acid conservation, physicochemical variation, residue mobility, and thermodynamic stability) performed at Invitae indicates that this missense variant is not expected to disrupt PTCH1 protein function. ClinVar contains an entry for this variant (Variation ID: 409185). This variant has not been reported in the literature in individuals affected with PTCH1-related conditions. This variant is not present in population databases (gnomAD no frequency). This sequence change replaces isoleucine, which is neutral and non-polar, with valine, which is neutral and non-polar, at codon 159 of the PTCH1 protein (p.Ile159Val).

NM_000264.5(PTCH1):c.475A>G (p.Ile159Val)

Gene: PTCH1 (patched 1; minus strand). Cytogenetic location: 9q22.32.
Variant type: single nucleotide variant.
Coding change: c.475A>G on transcript NM_000264.5 (MANE Select); coding-DNA position 475, A replaced by G.
Protein change: p.Ile159Val; replaces isoleucine 159 with valine.
Molecular consequence: missense variant. On other transcripts: non-coding transcript variant (1).
Genome position (GRCh38, 1-based): chr9:95,485,794, T>C on the plus strand (A>G on the coding strand, the complement: PTCH1 is on the minus strand). VCF-style: chr9-95485794-T-C. GRCh37 (hg19) VCF-style: chr9-98248076-T-C.
Other names: c.277A>G, p.Ile93Val (NM_001083602.3, NM_001354919.2); c.472A>G, p.Ile158Val (NM_001083603.3); c.22A>G, p.Ile8Val (NM_001083604.3, NM_001083605.3, NM_001083606.3 and 1 more transcripts); c.475A>G, p.Ile159Val (NM_001354918.2); short protein forms I159V, I93V, I158V, I8V.
Identifiers: ClinVar variation 409185 (VCV000409185.11), dbSNP rs1060502288, ClinGen allele CA16612780.